The following is an entry in ClinVar:

NM_020919.4(ALS2):c.1037A>G (p.Asn346Ser)

Gene: ALS2 (alsin Rho guanine nucleotide exchange factor ALS2; minus strand). Cytogenetic location: 2q33.1.
Variant type: single nucleotide variant.
Coding change: c.1037A>G on transcript NM_020919.4 (MANE Select); coding-DNA position 1037, A replaced by G.
Protein change: p.Asn346Ser; replaces asparagine 346 with serine.
Molecular consequence: missense variant.
Genome position (GRCh38, 1-based): chr2:201,760,957, T>C on the plus strand (A>G on the coding strand, the complement: ALS2 is on the minus strand). VCF-style: chr2-201760957-T-C. GRCh37 (hg19) VCF-style: chr2-202625680-T-C.
Other names: c.1037A>G, p.Asn346Ser (NM_001135745.2); c.1037A>G (NM_001135745.1); short protein forms N346S.
Identifiers: ClinVar variation 533745 (VCV000533745.9), dbSNP rs199757764, ClinGen allele CA2058557.

ClinVar aggregate classification (germline): Uncertain significance. Review status: criteria provided, multiple submitters, no conflicts (2 of 4 stars). 4 submissions from 3 submitters: Uncertain significance (4). Last evaluated 2025-05-14.

Conditions:
Infantile-onset ascending hereditary spastic paralysis (IAHSP). Also called: Autosomal Recessive Juvenile Amyotrophic Lateral Sclerosis; Infantile-Onset Ascending Hereditary Spastic Paralysis (IAHSP). Identifiers: Orphanet 293168, MedGen C2931441, MONDO:0011797, OMIM 607225. Disease mechanism: loss of function.
Amyotrophic lateral sclerosis type 2, juvenile. Also called: ALS, JUVENILE; Amyotrophic lateral sclerosis type 2. Identifiers: Orphanet 300605, MedGen C1859807, MONDO:0008780, OMIM 205100.
ALS2-related disorder. Also called: ALS2-related condition; ALS2-related disorders; ALS2-Related Spectrum Disorders. Identifiers: MedGen CN169291.

Allele frequency attached by ClinVar (database versions not stated): ExAC 0.00014; gnomAD exomes 0.00016 and 0.00029; TOPMed 0.00017; gnomAD 0.00020 and 0.00021; ESP Exome Variant Server 0.00024.
gnomAD v4.1: 444 of 1,614,100 alleles (0.028%); highest among the groups gnomAD compares: Non-Finnish European, 0.034%; no homozygotes.

Submissions (4):

Labcorp Genetics (formerly Invitae), Labcorp
Classification: Uncertain significance for Infantile-onset ascending hereditary spastic paralysis. Last evaluated: 2025-05-14. Review status: criteria provided, single submitter. Criteria: Invitae Variant Classification Sherloc (09022015). Collection method: clinical testing. Allele origin: germline.
Comment: This sequence change replaces asparagine, which is neutral and polar, with serine, which is neutral and polar, at codon 346 of the ALS2 protein (p.Asn346Ser). This variant is present in population databases (rs199757764, gnomAD 0.03%). This missense change has been observed in individual(s) with amyotrophic lateral sclerosis (PMID: 29525178). ClinVar contains an entry for this variant (Variation ID: 533745). Invitae Evidence Modeling of protein sequence and biophysical properties (such as structural, functional, and spatial information, amino acid conservation, physicochemical variation, residue mobility, and thermodynamic stability) indicates that this missense variant is not expected to disrupt ALS2 protein function with a negative predictive value of 80%. In summary, the available evidence is currently insufficient to determine the role of this variant in disease. Therefore, it has been classified as a Variant of Uncertain Significance.

Athena Diagnostics
Classification: Uncertain significance. Last evaluated: 2024-08-13. Review status: criteria provided, single submitter. Criteria: Athena Diagnostics Criteria. Collection method: clinical testing. Allele origin: unknown.
Comment: Available data are insufficient to determine the clinical significance of the variant at this time. The frequency of this variant in the general population is uninformative in assessment of its pathogenicity. Polyphen and MutationTaster predict this amino acid change may be benign.

Illumina Laboratory Services, Illumina
Classification: Uncertain significance for ALS2-Related Disorders. Last evaluated: 2018-01-12. Review status: criteria provided, single submitter. Criteria: ICSL Variant Classification Criteria 13 December 2019. Collection method: clinical testing. Allele origin: germline.

Illumina Laboratory Services, Illumina
Classification: Uncertain significance for Amyotrophic lateral sclerosis type 2. Last evaluated: 2018-01-12. Review status: criteria provided, single submitter. Criteria: ICSL Variant Classification Criteria 13 December 2019. Collection method: clinical testing. Allele origin: germline.

Literature cited by the submitters: PubMed 29525178 (cited by Labcorp Genetics (formerly Invitae), Labcorp and Athena Diagnostics); PubMed 29590070 (cited by Athena Diagnostics).